The following is an entry in ClinVar:

ClinVar aggregate classification (germline): Conflicting classifications of pathogenicity. Review status: criteria provided, conflicting classifications (1 of 4 stars). 2 submissions from 2 submitters: Likely pathogenic (1); Uncertain significance (1). Last evaluated 2025-04-16.

Conditions:
Saldino-Mainzer syndrome (SRTD9). Also called: SHORT-RIB THORACIC DYSPLASIA 9 WITHOUT POLYDACTYLY; Renal dysplasia, retinal pigmentary dystrophy, cerebellar ataxia and skeletal dysplasia; CONORENAL SYNDROME; short-rib thoracic dysplasia 9 with or without polydactyly. Identifiers: Orphanet 140969, MedGen C1849437, MONDO:0009964, OMIM 266920.
IFT140-related disorders.

Allele frequency attached by ClinVar (database versions not stated): gnomAD exomes below 0.00001; TOPMed 0.00001.
gnomAD v4.1: 6 of 1,610,642 alleles (0.00037%); highest among the groups gnomAD compares: African/African-American, 0.0013%; no homozygotes.

Submissions (2):

Labcorp Genetics (formerly Invitae), Labcorp
Classification: Uncertain significance for Saldino-Mainzer syndrome. Last evaluated: 2025-04-16. Review status: criteria provided, single submitter. Criteria: Invitae Variant Classification Sherloc (09022015). Collection method: clinical testing. Allele origin: germline.
Comment: This sequence change replaces cysteine, which is neutral and slightly polar, with phenylalanine, which is neutral and non-polar, at codon 811 of the IFT140 protein (p.Cys811Phe). The frequency data for this variant in the population databases is considered unreliable, as metrics indicate poor data quality at this position in the gnomAD database. This missense change has been observed in individual(s) with retinitis pigmentosa (PMID: 28559085; internal data). In at least one individual the data is consistent with being in trans (on the opposite chromosome) from a pathogenic variant. ClinVar contains an entry for this variant (Variation ID: 836037). Invitae Evidence Modeling of protein sequence and biophysical properties (such as structural, functional, and spatial information, amino acid conservation, physicochemical variation, residue mobility, and thermodynamic stability) has been performed for this missense variant. However, the output from this modeling did not meet the statistical confidence thresholds required to predict the impact of this variant on IFT140 protein function. In summary, the available evidence is currently insufficient to determine the role of this variant in disease. Therefore, it has been classified as a Variant of Uncertain Significance.

Blueprint Genetics
Classification: Likely pathogenic for IFT140-related disorders. Last evaluated: 2022-11-01. Review status: criteria provided, single submitter. Criteria: ACMG Guidelines, 2015. Collection method: clinical testing. Allele origin: germline. Affected: yes. Observed: 3 variant alleles.

Literature cited by the submitters: PubMed 28559085 (cited by Labcorp Genetics (formerly Invitae), Labcorp).

NM_014714.4(IFT140):c.2432G>T (p.Cys811Phe)

Gene: IFT140 (intraflagellar transport 140; minus strand). Cytogenetic location: 16p13.3.
Variant type: single nucleotide variant.
Coding change: c.2432G>T on transcript NM_014714.4 (MANE Select); coding-DNA position 2432, G replaced by T.
Protein change: p.Cys811Phe; replaces cysteine 811 with phenylalanine.
Molecular consequence: missense variant.
Genome position (GRCh38, 1-based): chr16:1,526,764, C>A on the plus strand (G>T on the coding strand, the complement: IFT140 is on the minus strand). VCF-style: chr16-1526764-C-A. GRCh37 (hg19) VCF-style: chr16-1576765-C-A.
Other names: short protein forms C811F.
Identifiers: ClinVar variation 836037 (VCV000836037.8), dbSNP rs1358171484, ClinGen allele CA394228466.